The following is an entry in ClinVar:

NM_032409.3(PINK1):c.1549C>T (p.Leu517=)

Genes: PINK1 (PTEN induced kinase 1; plus strand), PINK1-AS (PINK1 antisense RNA; minus strand). Cytogenetic location: 1p36.12.
Variant type: single nucleotide variant.
Coding change: c.1549C>T on transcript NM_032409.3 (MANE Select); coding-DNA position 1549, C replaced by T.
Protein change: p.Leu517=; no amino-acid change (leucine 517 retained).
Molecular consequence: synonymous variant. On other transcripts: non-coding transcript variant (1).
Genome position (GRCh38, 1-based): chr1:20,650,494, C>T. VCF-style: chr1-20650494-C-T. GRCh37 (hg19) VCF-style: chr1-20976987-C-T.
Identifiers: ClinVar variation 772756 (VCV000772756.10), dbSNP rs149466252, ClinGen allele CA660879.

ClinVar aggregate classification (germline): Likely benign. Review status: criteria provided, single submitter (1 of 4 stars). 2 submissions from 2 submitters: Likely benign (1). 1 of the submissions does not count toward it. Last evaluated 2018-11-27.

Conditions:
PINK1-related disorder. Also called: PINK1-related condition.
Autosomal recessive early-onset Parkinson disease 6 (PARK6). Also called: PINK1 Type of Young-Onset Parkinson Disease; PINK1-Related Parkinson Disease; PARKINSON DISEASE 6, EARLY-ONSET; PARKINSON DISEASE 6, MODIFIER OF. Identifiers: Orphanet 2828, MedGen C1853833, MONDO:0011613, OMIM 605909.

Allele frequency attached by ClinVar (database versions not stated): ExAC 0.00002; gnomAD 0.00002; gnomAD exomes 0.00002 and 0.00003; TOPMed 0.00003; ESP Exome Variant Server 0.00015.
gnomAD v4.1: 51 of 1,614,082 alleles (0.0032%); highest among the groups gnomAD compares: Non-Finnish European, 0.0042%; no homozygotes.

Submissions (2):

Labcorp Genetics (formerly Invitae), Labcorp
Classification: Likely benign for Autosomal recessive early-onset Parkinson disease 6. Last evaluated: 2018-11-27. Review status: criteria provided, single submitter. Criteria: Invitae Variant Classification Sherloc (09022015). Collection method: clinical testing. Allele origin: germline.

PreventionGenetics, part of Exact Sciences
Classification: Likely benign for PINK1-related condition. Last evaluated: 2019-04-15. Review status: no assertion criteria provided. Collection method: clinical testing. Allele origin: germline. Not counted in ClinVar's aggregate classification.
Comment: This variant is classified as likely benign based on ACMG/AMP sequence variant interpretation guidelines (Richards et al. 2015 PMID: 25741868, with internal and published modifications).